The following is an entry in ClinVar:

ClinVar aggregate classification (germline): Uncertain significance (1 of 4 stars; one submission).

Conditions:
Aortic aneurysm, familial thoracic 7 (AAT7). Also called: AORTIC DISSECTION, FAMILIAL, WITH OR WITHOUT AORTIC ANEURYSM. Identifiers: MedGen C3151077, MONDO:0013418, OMIM 613780.

Submission:

Labcorp Genetics (formerly Invitae), Labcorp
Classification: Uncertain significance for Aortic aneurysm, familial thoracic 7. Last evaluated: 2024-06-26. Review status: criteria provided, single submitter. Criteria: Invitae Variant Classification Sherloc (09022015). Collection method: clinical testing. Allele origin: germline.
Comment: This sequence change replaces phenylalanine, which is neutral and non-polar, with serine, which is neutral and polar, at codon 1402 of the MYLK protein (p.Phe1402Ser). This variant is not present in population databases (gnomAD no frequency). This variant has not been reported in the literature in individuals affected with MYLK-related conditions. Advanced modeling of protein sequence and biophysical properties (such as structural, functional, and spatial information, amino acid conservation, physicochemical variation, residue mobility, and thermodynamic stability) has been performed at Invitae for this missense variant, however the output from this modeling did not meet the statistical confidence thresholds required to predict the impact of this variant on MYLK protein function. In summary, the available evidence is currently insufficient to determine the role of this variant in disease. Therefore, it has been classified as a Variant of Uncertain Significance.

NM_053025.4(MYLK):c.4205T>C (p.Phe1402Ser)

Gene: MYLK (myosin light chain kinase; minus strand). Cytogenetic location: 3q21.1.
Variant type: single nucleotide variant.
Coding change: c.4205T>C on transcript NM_053025.4 (MANE Select); coding-DNA position 4205, T replaced by C.
Protein change: p.Phe1402Ser; replaces phenylalanine 1402 with serine.
Molecular consequence: missense variant.
Genome position (GRCh38, 1-based): chr3:123,657,209, A>G on the plus strand (T>C on the coding strand, the complement: MYLK is on the minus strand). VCF-style: chr3-123657209-A-G. GRCh37 (hg19) VCF-style: chr3-123376056-A-G.
Other names: c.3677T>C, p.Phe1226Ser (NM_001321309.2); c.3998T>C, p.Phe1333Ser (NM_053026.4, NM_053028.4); c.4205T>C, p.Phe1402Ser (NM_053027.4); short protein forms F1226S, F1333S, F1402S.
Identifiers: ClinVar variation 3658039 (VCV003658039.2).